The following is an entry in ClinVar:

ClinVar aggregate classification (germline): Conflicting classifications of pathogenicity. Review status: criteria provided, conflicting classifications (1 of 4 stars). 6 submissions from 6 submitters: Uncertain significance (4); Likely benign (2). Last evaluated 2026-06-15.

Conditions:
Gastrointestinal stromal tumor. Also called: Gastrointestinal stroma tumor; Gastrointestinal stromal tumor, somatic. Identifiers: Orphanet 44890, MedGen C0238198, MeSH D046152, MONDO:0011719, OMIM 606764, HP:0100723.
Polyps, multiple and recurrent inflammatory fibroid, gastrointestinal. Identifiers: MedGen C5193005, MONDO:0008285, OMIM 175510.
PDGFRA-related disorder. Also called: PDGFRA-related condition.
Hereditary cancer-predisposing syndrome. Also called: Neoplastic Syndromes, Hereditary; Hereditary Cancer Syndrome; Hereditary neoplastic syndrome; Tumor predisposition. Identifiers: Orphanet 140162, MedGen C0027672, MeSH D009386, MONDO:0015356.

Allele frequency attached by ClinVar (database versions not stated): TOPMed below 0.00001; gnomAD 0.00002; gnomAD exomes 0.00004 and 0.00006; ExAC 0.00007; ESP Exome Variant Server 0.00015.
gnomAD v4.1: 86 of 1,614,024 alleles (0.0053%); highest among the groups gnomAD compares: Non-Finnish European, 0.007%; no homozygotes.

Submissions (6):

Myriad Genetics, Inc.
Classification: Likely benign for Polyps, multiple and recurrent inflammatory fibroid, gastrointestinal. Last evaluated: 2026-06-15. Review status: criteria provided, single submitter. Criteria: Myriad Autosomal Dominant, Autosomal Recessive and X-Linked Classification Criteria (2023). Collection method: clinical testing. Allele origin: unknown.
Comment: This variant is considered likely benign. This variant has been observed at a population frequency that is significantly greater than expected given the associated disease prevalence and penetrance.

Labcorp Genetics (formerly Invitae), Labcorp
Classification: Uncertain significance for Gastrointestinal stromal tumor. Last evaluated: 2026-01-28. Review status: criteria provided, single submitter. Criteria: Invitae Variant Classification Sherloc (09022015). Collection method: clinical testing. Allele origin: germline.
Comment: This sequence change replaces valine, which is neutral and non-polar, with isoleucine, which is neutral and non-polar, at codon 608 of the PDGFRA protein (p.Val608Ile). This variant is present in population databases (rs138740193, gnomAD 0.009%). This variant has not been reported in the literature in individuals affected with PDGFRA-related conditions. ClinVar contains an entry for this variant (Variation ID: 407429). Invitae Evidence Modeling of protein sequence and biophysical properties (such as structural, functional, and spatial information, amino acid conservation, physicochemical variation, residue mobility, and thermodynamic stability) has been performed for this missense variant. However, the output from this modeling did not meet the statistical confidence thresholds required to predict the impact of this variant on PDGFRA protein function. In summary, the available evidence is currently insufficient to determine the role of this variant in disease. Therefore, it has been classified as a Variant of Uncertain Significance.

Ambry Genetics
Classification: Likely benign for Hereditary cancer-predisposing syndrome. Last evaluated: 2024-08-20. Review status: criteria provided, single submitter. Criteria: Ambry Variant Classification Scheme 2023. Collection method: clinical testing. Allele origin: germline.

Baylor Genetics
Classification: Uncertain significance for Polyps, multiple and recurrent inflammatory fibroid, gastrointestinal. Last evaluated: 2023-08-14. Review status: criteria provided, single submitter. Criteria: ACMG Guidelines, 2015. Collection method: clinical testing. Allele origin: unknown.

GeneDx
Classification: Uncertain significance. Last evaluated: 2023-06-25. Review status: criteria provided, single submitter. Criteria: GeneDx Variant Classification Process June 2021. Collection method: clinical testing. Allele origin: germline. Affected: yes.
Comment: In silico analysis supports that this missense variant does not alter protein structure/function; Has not been previously published as pathogenic or benign to our knowledge

PreventionGenetics, part of Exact Sciences
Classification: Uncertain significance for PDGFRA-related condition. Last evaluated: 2023-04-20. Review status: criteria provided, single submitter. Criteria: ACMG Guidelines, 2015. Collection method: clinical testing. Allele origin: germline.
Comment: The PDGFRA c.1822G>A variant is predicted to result in the amino acid substitution p.Val608Ile. To our knowledge, this variant has not been reported in the literature. This variant is reported in 0.0088% of alleles in individuals of European (Non-Finnish) descent in gnomAD. It is interpreted as uncertain significance in ClinVar. At this time, the clinical significance of this variant is uncertain due to the absence of conclusive functional and genetic evidence.

NM_006206.6(PDGFRA):c.1822G>A (p.Val608Ile)

Gene: PDGFRA (platelet derived growth factor receptor alpha; plus strand). Cytogenetic location: 4q12.
Variant type: single nucleotide variant.
Coding change: c.1822G>A on transcript NM_006206.6 (MANE Select); coding-DNA position 1822, G replaced by A.
Protein change: p.Val608Ile; replaces valine 608 with isoleucine.
Molecular consequence: missense variant.
Genome position (GRCh38, 1-based): chr4:54,277,423, G>A. VCF-style: chr4-54277423-G-A. GRCh37 (hg19) VCF-style: chr4-55143590-G-A.
Other names: c.1822G>A (NM_006206.5); c.1822G>A, p.Val608Ile (NM_001347827.2, NM_001347829.2); c.1897G>A, p.Val633Ile (NM_001347828.2); c.1861G>A, p.Val621Ile (NM_001347830.2); short protein forms V608I, V633I, V621I.
Identifiers: ClinVar variation 407429 (VCV000407429.15), dbSNP rs138740193, ClinGen allele CA2922687.